The following is an entry in ClinVar:

ClinVar aggregate classification (germline): Uncertain significance (1 of 4 stars; one submission).

Conditions:
Cardiovascular phenotype. Identifiers: MedGen CN230736.

Submission:

Ambry Genetics
Classification: Uncertain significance for Cardiovascular phenotype. Last evaluated: 2023-09-13. Review status: criteria provided, single submitter. Criteria: Ambry Variant Classification Scheme 2023. Collection method: clinical testing. Allele origin: germline.
Comment: The p.A267D variant (also known as c.800C>A), located in coding exon 4 of the JUP gene, results from a C to A substitution at nucleotide position 800. The alanine at codon 267 is replaced by aspartic acid, an amino acid with dissimilar properties. This amino acid position is highly conserved in available vertebrate species. In addition, this alteration is predicted to be deleterious by in silico analysis. Since supporting evidence is limited at this time, the clinical significance of this alteration remains unclear.

NM_002230.4(JUP):c.800C>A (p.Ala267Asp)

Gene: JUP (junction plakoglobin; minus strand). Cytogenetic location: 17q21.2.
Variant type: single nucleotide variant.
Coding change: c.800C>A on transcript NM_002230.4 (MANE Select); coding-DNA position 800, C replaced by A.
Protein change: p.Ala267Asp; replaces alanine 267 with aspartic acid.
Molecular consequence: missense variant.
Genome position (GRCh38, 1-based): chr17:41,767,488, G>T on the plus strand (C>A on the coding strand, the complement: JUP is on the minus strand). VCF-style: chr17-41767488-G-T. GRCh37 (hg19) VCF-style: chr17-39923740-G-T.
Other names: c.800C>A, p.Ala267Asp (NM_001352773.2, NM_001352774.2, NM_001352775.2 and 3 more transcripts); short protein forms A267D.
Identifiers: ClinVar variation 2625425 (VCV002625425.2), dbSNP rs2544161578, ClinGen allele CA399501175.